The following is an entry in ClinVar:

ClinVar aggregate classification (germline): Uncertain significance (1 of 4 stars; one submission).

Conditions:
Familial cold autoinflammatory syndrome 2 (FCAS2). Identifiers: Orphanet 247868, MedGen C2673198, MONDO:0012724, OMIM 611762.

Allele frequency attached by ClinVar (database versions not stated): ExAC 0.00001; gnomAD exomes 0.00004; TOPMed 0.00011.
gnomAD v4.1: 23 of 1,613,692 alleles (0.0014%); highest among the groups gnomAD compares: Admixed American, 0.038%; no homozygotes.

Submission:

Labcorp Genetics (formerly Invitae), Labcorp
Classification: Uncertain significance for Familial cold autoinflammatory syndrome 2. Last evaluated: 2025-12-21. Review status: criteria provided, single submitter. Criteria: Invitae Variant Classification Sherloc (09022015). Collection method: clinical testing. Allele origin: germline.
Comment: This sequence change replaces valine, which is neutral and non-polar, with leucine, which is neutral and non-polar, at codon 730 of the NLRP12 protein (p.Val730Leu). This variant is present in population databases (rs776527127, gnomAD 0.03%). This missense change has been observed in individual(s) with NLRP12-related conditions (PMID: 33042144). ClinVar contains an entry for this variant (Variation ID: 841397). An algorithm developed to predict the effect of missense changes on protein structure and function outputs the following: PolyPhen-2: "Benign". The leucine amino acid residue is found in multiple mammalian species, which suggests that this missense change does not adversely affect protein function. In summary, the available evidence is currently insufficient to determine the role of this variant in disease. Therefore, it has been classified as a Variant of Uncertain Significance.

Literature cited by the submitters: PubMed 33042144.

NM_144687.4(NLRP12):c.2188G>C (p.Val730Leu)

Gene: NLRP12 (NLR family pyrin domain containing 12; minus strand). Cytogenetic location: 19q13.42.
Variant type: single nucleotide variant.
Coding change: c.2188G>C on transcript NM_144687.4 (MANE Select); coding-DNA position 2188, G replaced by C.
Protein change: p.Val730Leu; replaces valine 730 with leucine.
Molecular consequence: missense variant.
Genome position (GRCh38, 1-based): chr19:53,807,550, C>G on the plus strand (G>C on the coding strand, the complement: NLRP12 is on the minus strand). VCF-style: chr19-53807550-C-G. GRCh37 (hg19) VCF-style: chr19-54310804-C-G.
Other names: c.2191G>C, p.Val731Leu (NM_001277126.2); c.2188G>C, p.Val730Leu (NM_001277129.1); short protein forms V731L, V730L.
Identifiers: ClinVar variation 841397 (VCV000841397.9), dbSNP rs776527127, ClinGen allele CA9639194.